The following is an entry in ClinVar:

ClinVar aggregate classification (germline): Uncertain significance (1 of 4 stars; one submission).

Conditions:
TRPV4-related disorder. Also called: TRPV4-related disorders; TRPV4-related condition.

Submission:

PreventionGenetics, part of Exact Sciences
Classification: Uncertain significance for TRPV4-related condition. Last evaluated: 2025-03-19. Review status: criteria provided, single submitter. Criteria: ACMG Guidelines, 2015. Collection method: clinical testing. Allele origin: germline.
Comment: The TRPV4 c.310A>G variant is predicted to result in the amino acid substitution p.Met104Val. To our knowledge, this variant has not been reported in the literature or in a large population database (gnomAD), indicating this variant is rare. At this time, the clinical significance of this variant is uncertain due to the absence of conclusive functional and genetic evidence.

NM_021625.5(TRPV4):c.310A>G (p.Met104Val)

Gene: TRPV4 (transient receptor potential cation channel subfamily V member 4; minus strand). Cytogenetic location: 12q24.11.
Variant type: single nucleotide variant.
Coding change: c.310A>G on transcript NM_021625.5 (MANE Select); coding-DNA position 310, A replaced by G.
Protein change: p.Met104Val; replaces methionine 104 with valine.
Molecular consequence: missense variant.
Genome position (GRCh38, 1-based): chr12:109,814,487, T>C on the plus strand (A>G on the coding strand, the complement: TRPV4 is on the minus strand). VCF-style: chr12-109814487-T-C. GRCh37 (hg19) VCF-style: chr12-110252292-T-C.
Other names: c.310A>G, p.Met104Val (NM_001177428.2, NM_001177433.2, NM_147204.3); c.208A>G, p.Met70Val (NM_001177431.2); short protein forms M70V, M104V.
Identifiers: ClinVar variation 4998432 (VCV004998432.1).